The following is an entry in ClinVar:

ClinVar aggregate classification (germline): Pathogenic (1 of 4 stars; one submission).

Conditions:
MECOM-associated syndrome. Identifiers: MedGen CN305607, MONDO:0100458.

Submission:

Wendy Chung Laboratory, Boston Children's Hospital
Classification: Pathogenic for MECOM-associated syndrome. Last evaluated: 2025-04-30. Review status: criteria provided, single submitter. Criteria: ACMG Guidelines, 2015. Collection method: research. Allele origin: de novo. Affected: yes. Observed: 1 variant allele.
Comment: NM_0004991.4:c.2528T>G; p.(Leu843*) is a DNA single thymine to guanine base substitution predicted to cause a premature stop codon at position 843 and lead to nonsense-mediated decay (PVS1). The variant is absent from gnomAD v.4.1 (PM2_supporting) and occurred de novo (PS2).

NM_004991.4(MECOM):c.2528T>G (p.Leu843Ter)

Gene: MECOM (MDS1 and EVI1 complex locus; minus strand). Cytogenetic location: 3q26.2.
Variant type: single nucleotide variant.
Coding change: c.2528T>G on transcript NM_004991.4 (MANE Select); coding-DNA position 2528, T replaced by G.
Protein change: p.Leu843Ter; replaces leucine 843 with a stop codon.
Molecular consequence: nonsense.
Genome position (GRCh38, 1-based): chr3:169,112,836, A>C on the plus strand (T>G on the coding strand, the complement: MECOM is on the minus strand). VCF-style: chr3-169112836-A-C. GRCh37 (hg19) VCF-style: chr3-168830624-A-C.
Other names: c.2159T>G, p.Leu720Ter (NM_001105077.4); c.1964T>G, p.Leu655Ter (NM_001105078.4, NM_001164000.2, NM_001205194.2 and 4 more transcripts); c.1967T>G, p.Leu656Ter (NM_001163999.2, NM_001366467.2, NM_001366468.2 and 1 more transcripts); c.2528T>G, p.Leu843Ter (NM_001366466.2); c.1556T>G, p.Leu519Ter (NM_001366473.2); c.992T>G, p.Leu331Ter (NM_001366474.2); short protein forms L331*, L519*, L655*, L656*, L720*, L843*.
Identifiers: ClinVar variation 3900741 (VCV003900741.1).